The following is an entry in ClinVar:

NM_014014.5(SNRNP200):c.3428T>C (p.Ile1143Thr)

Gene: SNRNP200 (small nuclear ribonucleoprotein U5 subunit 200; minus strand). Cytogenetic location: 2q11.2.
Variant type: single nucleotide variant.
Coding change: c.3428T>C on transcript NM_014014.5 (MANE Select); coding-DNA position 3428, T replaced by C.
Protein change: p.Ile1143Thr; replaces isoleucine 1143 with threonine.
Molecular consequence: missense variant.
Genome position (GRCh38, 1-based): chr2:96,287,495, A>G on the plus strand (T>C on the coding strand, the complement: SNRNP200 is on the minus strand). VCF-style: chr2-96287495-A-G. GRCh37 (hg19) VCF-style: chr2-96953233-A-G.
Other names: short protein forms I1143T.
Identifiers: ClinVar variation 856352 (VCV000856352.10), dbSNP rs758635979, ClinGen allele CA1778459.

ClinVar aggregate classification (germline): Uncertain significance. Review status: criteria provided, multiple submitters, no conflicts (2 of 4 stars). 2 submissions from 2 submitters: Uncertain significance (2). Last evaluated 2025-09-28.

Conditions:
Inborn genetic diseases. Identifiers: MedGen C0950123, MeSH D030342.

Allele frequency attached by ClinVar (database versions not stated): gnomAD 0.00001; gnomAD exomes 0.00001 and 0.00002; TOPMed 0.00001; ExAC 0.00002.
gnomAD v4.1: 20 of 1,614,038 alleles (0.0012%); highest among the groups gnomAD compares: Non-Finnish European, 0.0011%; no homozygotes.

Submissions (2):

Ambry Genetics
Classification: Uncertain significance for Inborn genetic diseases. Last evaluated: 2025-09-28. Review status: criteria provided, single submitter. Criteria: Ambry Variant Classification Scheme 2023. Collection method: clinical testing. Allele origin: germline.

Labcorp Genetics (formerly Invitae), Labcorp
Classification: Uncertain significance. Last evaluated: 2023-12-19. Review status: criteria provided, single submitter. Criteria: Invitae Variant Classification Sherloc (09022015). Collection method: clinical testing. Allele origin: germline.
Comment: This sequence change replaces isoleucine, which is neutral and non-polar, with threonine, which is neutral and polar, at codon 1143 of the SNRNP200 protein (p.Ile1143Thr). This variant is present in population databases (rs758635979, gnomAD 0.004%). This variant has not been reported in the literature in individuals affected with SNRNP200-related conditions. ClinVar contains an entry for this variant (Variation ID: 856352). Advanced modeling of protein sequence and biophysical properties (such as structural, functional, and spatial information, amino acid conservation, physicochemical variation, residue mobility, and thermodynamic stability) performed at Invitae indicates that this missense variant is expected to disrupt SNRNP200 protein function with a positive predictive value of 80%. In summary, the available evidence is currently insufficient to determine the role of this variant in disease. Therefore, it has been classified as a Variant of Uncertain Significance.